The following is an entry in ClinVar:

ClinVar aggregate classification (germline): Uncertain significance. Review status: criteria provided, multiple submitters, no conflicts (2 of 4 stars). 4 submissions from 4 submitters: Uncertain significance (4). Last evaluated 2025-11-09.

Conditions:
Cardiomyopathy (CMYO). Also called: Cardiomyopathies. Identifiers: Orphanet 167848, MedGen C0878544, MONDO:0004994, HP:0001638. Inheritance: Various modes of inheritance.
Hypertrophic cardiomyopathy. Also called: HYPERTROPHIC MYOCARDIOPATHY. Identifiers: Orphanet 217569, MedGen C0007194, MeSH D002312, MONDO:0005045, HP:0001639.

Submissions (4):

Labcorp Genetics (formerly Invitae), Labcorp
Classification: Uncertain significance for Hypertrophic cardiomyopathy. Last evaluated: 2025-11-09. Review status: criteria provided, single submitter. Criteria: Invitae Variant Classification Sherloc (09022015). Collection method: clinical testing. Allele origin: germline.
Comment: This sequence change replaces threonine, which is neutral and polar, with isoleucine, which is neutral and non-polar, at codon 1479 of the MYH7 protein (p.Thr1479Ile). This variant is not present in population databases (gnomAD no frequency). This missense change has been observed in individual(s) with hypertrophic cardiomyopathy (PMID: 27532257). ClinVar contains an entry for this variant (Variation ID: 43018). Invitae Evidence Modeling of protein sequence and biophysical properties (such as structural, functional, and spatial information, amino acid conservation, physicochemical variation, residue mobility, and thermodynamic stability) indicates that this missense variant is expected to disrupt MYH7 protein function with a positive predictive value of 95%. In summary, the available evidence is currently insufficient to determine the role of this variant in disease. Therefore, it has been classified as a Variant of Uncertain Significance.

GeneDx
Classification: Uncertain significance. Last evaluated: 2020-05-18. Review status: criteria provided, single submitter. Criteria: GeneDx Variant Classification Process June 2021. Collection method: clinical testing. Allele origin: germline. Affected: yes.
Comment: Not observed in large population cohorts (Lek et al., 2016); In silico analysis supports that this missense variant has a deleterious effect on protein structure/function; This variant is associated with the following publications: (PMID: 27532257)

Color Diagnostics, LLC DBA Color Health
Classification: Uncertain significance for Cardiomyopathy. Last evaluated: 2019-02-11. Review status: criteria provided, single submitter. Criteria: ACMG Guidelines, 2015. Collection method: clinical testing. Allele origin: germline.
Comment: Variant of Uncertain Significance due to insufficient evidence: This missense variant replaces threonine with isoleucine at codon 1479 of the MYH7 protein. Computational prediction tools and conservation analyses suggest that this variant may have deleterious impact on the protein function. Computational splicing tools suggest that this variant may not impact RNA splicing. To our knowledge, functional assays have not been performed for this variant nor has this variant been reported in individuals affected with cardiovascular disorders in the literature. This variant is rare in the general population and has been identified in 0/277264 chromosomes by the Genome Aggregation Database (gnomAD). Available evidence is insufficient to determine the role of this variant in disease conclusively.

Laboratory for Molecular Medicine, Mass General Brigham Personalized Medicine
Classification: Uncertain significance. Last evaluated: 2014-01-21. Review status: criteria provided, single submitter. Criteria: LMM Criteria. Collection method: clinical testing. Allele origin: germline. Observed: 2 variant alleles.
Comment: Variant classified as Uncertain Significance - Favor Pathogenic. The Thr1479Ile variant in MYH7 has been identified by our laboratory in two individuals with HC M and was not identified in large population studies. Threonine (Thr) at positio n 1491 is highly conserved in mammals and across evolutionarily distant species and the change to isoleucine (Ile) was predicted to be pathogenic using a comput ational tool, which was validated by our laboratory using a set of cardiomyopath y variants with well-established clinical significance. This tool's pathogenic p rediction is estimated to be correct 94% of the time (Jordan 2011). In addition , missense variants in MYH7 are often associated with HCM. In summary, although the data support that the Thr1479Ile variant may be pathogenic, additional stud ies are needed to fully assess its clinical significance.

Literature cited by the submitters: PubMed 27532257 (cited by Labcorp Genetics (formerly Invitae), Labcorp).

NM_000257.4(MYH7):c.4436C>T (p.Thr1479Ile)

Genes: MHRT (myosin heavy chain associated RNA transcript; plus strand), MYH7 (myosin heavy chain 7; minus strand). Cytogenetic location: 14q11.2.
Variant type: single nucleotide variant.
Coding change: c.4436C>T on transcript NM_000257.4 (MANE Select); coding-DNA position 4436, C replaced by T.
Protein change: p.Thr1479Ile; replaces threonine 1479 with isoleucine.
Molecular consequence: missense variant. On other transcripts: non-coding transcript variant (1).
Genome position (GRCh38, 1-based): chr14:23,417,236, G>A on the plus strand (C>T on the coding strand, the complement: MYH7 is on the minus strand). VCF-style: chr14-23417236-G-A. GRCh37 (hg19) VCF-style: chr14-23886445-G-A.
Other names: p.T1479I:ACA>ATA; short protein forms T1479I.
Identifiers: ClinVar variation 43018 (VCV000043018.12), dbSNP rs397516217, ClinGen allele CA014980.